The following is an entry in ClinVar:

ClinVar aggregate classification (germline): Likely pathogenic (1 of 4 stars; one submission).

Conditions:
Coffin-Siris syndrome 1 (CSS1). Also called: Mental retardation, autosomal dominant 12; ARID1B-Related Coffin-Siris Syndrome. Identifiers: Orphanet 1465, MedGen C3281201, MONDO:0007617, OMIM 135900. Disease mechanism: gain of function.

Submission:

Victorian Clinical Genetics Services, Murdoch Childrens Research Institute
Classification: Likely pathogenic for Coffin-Siris syndrome 1. Last evaluated: 2022-02-02. Review status: criteria provided, single submitter. Criteria: ACMG Guidelines, 2015. Collection method: clinical testing. Allele origin: germline. Inheritance: Autosomal dominant inheritance. Affected: yes.
Comment: Based on the classification scheme VCGS_Germline_v1.3.4, this variant is classified as Likely pathogenic. Following criteria are met: 0102 - Loss of function is a known mechanism of disease in this gene and is associated with Coffin-Siris syndrome 1 (MIM#135900). (I) 0107 - This gene is associated with autosomal dominant disease. (I) 0115 - Variants in this gene are known to have variable expressivity (OMIM). (I) 0200 - Variant is predicted to result in a missense amino acid change from valine to glycine. (I) 0251 - This variant is heterozygous. (I) 0301 - Variant is absent from gnomAD (both v2 and v3). (SP) 0501 - Missense variant consistently predicted to be damaging by multiple in silico tools or highly conserved with a major amino acid change. (SP) 0600 - Variant is located in the annotated SWI/SNF-like complex subunit BAF250/Osa domain (NCBI conserved domain). (I) 0705 - No comparable missense variants have previous evidence for pathogenicity. (I) 0807 - This variant has no previous evidence of pathogenicity. (I) 0905 - No published segregation evidence has been identified for this variant. (I) 1007 - No published functional evidence has been identified for this variant. (SP) Legend: (SP) - Supporting pathogenic, (I) - Information, (SB) - Supporting benign

NM_001374828.1(ARID1B):c.6224T>G (p.Val2075Gly)

Gene: ARID1B (AT-rich interaction domain 1B; plus strand). Cytogenetic location: 6q25.3.
Variant type: single nucleotide variant.
Coding change: c.6224T>G on transcript NM_001374828.1 (MANE Select); coding-DNA position 6224, T replaced by G.
Protein change: p.Val2075Gly; replaces valine 2075 with glycine.
Molecular consequence: missense variant.
Genome position (GRCh38, 1-based): chr6:157,206,996, T>G. VCF-style: chr6-157206996-T-G. GRCh37 (hg19) VCF-style: chr6-157528130-T-G.
Other names: c.5975T>G, p.Val1992Gly (NM_001346813.1); c.3725T>G, p.Val1242Gly (NM_001363725.2); c.6104T>G, p.Val2035Gly (NM_001371656.1, NM_001374820.1); c.6065T>G, p.Val2022Gly (NM_017519.3); c.5855T>G, p.Val1952Gly (NM_020732.3); c.5642T>G, p.Val1881Gly (NM_175863.2); short protein forms V1242G, V1881G, V1952G, V1992G, V2022G, V2035G, V2075G.
Identifiers: ClinVar variation 1806346 (VCV001806346.1), dbSNP rs2128395673, ClinGen allele CA366247805.